The following is an entry in ClinVar:

ClinVar aggregate classification (germline): Uncertain significance (1 of 4 stars; one submission).

Conditions:
Joubert syndrome. Also called: JOUBERT-BOLTSHAUSER SYNDROME; Familial aplasia of the vermis. Identifiers: Orphanet 475, MedGen C5979921, MONDO:0018772.
Meckel-Gruber syndrome. Also called: DYSENCEPHALIA SPLANCHNOCYSTICA; GRUBER SYNDROME; Dysencephalia splachnocystica. Identifiers: Orphanet 564, MedGen C0265215, MONDO:0018921.

Allele frequency attached by ClinVar (database versions not stated): gnomAD exomes below 0.00001 and 0.00001; ExAC 0.00001; gnomAD 0.00006 and 0.00007; TOPMed 0.00008.
gnomAD v4.1: 11 of 1,480,108 alleles (0.00074%); highest among the groups gnomAD compares: African/African-American, 0.015%; no homozygotes.

Submission:

Labcorp Genetics (formerly Invitae), Labcorp
Classification: Uncertain significance for Joubert syndrome; Meckel-Gruber syndrome. Last evaluated: 2025-07-16. Review status: criteria provided, single submitter. Criteria: Invitae Variant Classification Sherloc (09022015). Collection method: clinical testing. Allele origin: germline.
Comment: This sequence change falls in intron 34 of the CC2D2A gene. It does not directly change the encoded amino acid sequence of the CC2D2A protein. It affects a nucleotide within the consensus splice site. This variant is present in population databases (rs764971650, gnomAD 0.02%). This variant has not been reported in the literature in individuals affected with CC2D2A-related conditions. ClinVar contains an entry for this variant (Variation ID: 1490157). Variants that disrupt the consensus splice site are a relatively common cause of aberrant splicing (PMID: 17576681, 9536098). Algorithms developed to predict the effect of sequence changes on RNA splicing suggest that this variant may disrupt the consensus splice site. In summary, the available evidence is currently insufficient to determine the role of this variant in disease. Therefore, it has been classified as a Variant of Uncertain Significance.

Literature cited by the submitters: PubMed 17576681; PubMed 9536098.

NM_001378615.1(CC2D2A):c.4314+6T>C

Genes: CC2D2A (coiled-coil and C2 domain containing 2A; plus strand), FBXL5 (F-box and leucine rich repeat protein 5; minus strand). Cytogenetic location: 4p15.32.
Variant type: single nucleotide variant.
Coding change: c.4314+6T>C on transcript NM_001378615.1 (MANE Select); 6 bases into the intron after coding-DNA position 4314, T replaced by C.
Molecular consequence: intron variant.
Genome position (GRCh38, 1-based): chr4:15,589,685, T>C. VCF-style: chr4-15589685-T-C. GRCh37 (hg19) VCF-style: chr4-15591308-T-C.
Other names: c.4314+6T>C (NM_001080522.2); c.4167+6T>C (NM_001378617.1).
Identifiers: ClinVar variation 1490157 (VCV001490157.4), dbSNP rs764971650, ClinGen allele CA2864366.